The following is an entry in ClinVar:

ClinVar aggregate classification (germline): Uncertain significance. Review status: criteria provided, multiple submitters, no conflicts (2 of 4 stars). 2 submissions from 2 submitters: Uncertain significance (2). Last evaluated 2025-06-23.

Conditions:
Familial thoracic aortic aneurysm and aortic dissection (TAAD). Also called: Thoracic aortic aneurysms and dissections. Identifiers: Orphanet 91387, MedGen C4707243, MONDO:0019625.
Marfan syndrome (MFS). Also called: Marfan syndrome, classic; Marfan syndrome type 1; Marfan's syndrome; FBN1-Related Marfan Syndrome; MARFAN SYNDROME, TYPE I. Identifiers: Orphanet 284963, Orphanet 558, MedGen C0024796, MONDO:0007947, OMIM 154700.

Submissions (2):

Women's Health and Genetics/Laboratory Corporation of America, LabCorp
Classification: Uncertain significance. Last evaluated: 2025-06-23. Review status: criteria provided, single submitter. Criteria: LabCorp Variant Classification Summary - May 2015. Collection method: clinical testing. Allele origin: germline.
Comment: Variant summary: FBN1 c.10G>A (p.Gly4Arg) results in a non-conservative amino acid change in the encoded protein sequence. Algorithms developed to predict the effect of missense changes on protein structure and function are either unavailable or do not agree on the potential impact of this missense change. The variant was absent in 244960 control chromosomes (gnomAD). The available data on variant occurrences in the general population are insufficient to allow any conclusion about variant significance. To our knowledge, no occurrence of c.10G>A in individuals affected with Marfan Syndrome and no experimental evidence demonstrating its impact on protein function have been reported. ClinVar contains an entry for this variant (Variation ID: 929137). Based on the evidence outlined above, the variant was classified as uncertain significance.

Labcorp Genetics (formerly Invitae), Labcorp
Classification: Uncertain significance for Marfan syndrome; Familial thoracic aortic aneurysm and aortic dissection. Last evaluated: 2024-05-26. Review status: criteria provided, single submitter. Criteria: Invitae Variant Classification Sherloc (09022015). Collection method: clinical testing. Allele origin: germline.
Comment: This sequence change replaces glycine, which is neutral and non-polar, with arginine, which is basic and polar, at codon 4 of the FBN1 protein (p.Gly4Arg). This variant is not present in population databases (gnomAD no frequency). This variant has not been reported in the literature in individuals affected with FBN1-related conditions. ClinVar contains an entry for this variant (Variation ID: 929137). Algorithms developed to predict the effect of missense changes on protein structure and function output the following: SIFT: "Not Available"; PolyPhen-2: "Benign"; Align-GVGD: "Not Available". The arginine amino acid residue is found in multiple mammalian species, which suggests that this missense change does not adversely affect protein function. In summary, the available evidence is currently insufficient to determine the role of this variant in disease. Therefore, it has been classified as a Variant of Uncertain Significance.

NM_000138.5(FBN1):c.10G>A (p.Gly4Arg)

Gene: FBN1 (fibrillin 1; minus strand). Cytogenetic location: 15q21.1.
Variant type: single nucleotide variant.
Coding change: c.10G>A on transcript NM_000138.5 (MANE Select); coding-DNA position 10, G replaced by A.
Protein change: p.Gly4Arg; replaces glycine 4 with arginine.
Molecular consequence: missense variant.
Genome position (GRCh38, 1-based): chr15:48,644,760, C>T on the plus strand (G>A on the coding strand, the complement: FBN1 is on the minus strand). VCF-style: chr15-48644760-C-T. GRCh37 (hg19) VCF-style: chr15-48936957-C-T.
Other names: short protein forms G4R.
Identifiers: ClinVar variation 929137 (VCV000929137.4), dbSNP rs1890263469, ClinGen allele CA392454025.
Genomic context (GRCh38, chr15:48,644,760, plus strand): 5'-CATGGCTCGTGTAGGACGCTAAAAGCACGGTAAATCCCAGGGCGATCTCCAGCAGACGCC[C>T]TCGACGCATGATGCCGAGCCGCCACCGGCTCCCGCCGCCTCTTGCCGCGCCCGGGGCTCG-3'
Protein context (NP_000129.3, residues 1-14): MRR[Gly4Arg]RLLEIALGFT